The following is an entry in ClinVar:

NM_000039.3(APOA1):c.79C>T (p.Pro27Ser)

Genes: APOA1 (apolipoprotein A1; minus strand), APOA1-AS (APOA1 antisense RNA; plus strand). Cytogenetic location: 11q23.3.
Variant type: single nucleotide variant.
Coding change: c.79C>T on transcript NM_000039.3 (MANE Select); coding-DNA position 79, C replaced by T.
Protein change: p.Pro27Ser; replaces proline 27 with serine.
Molecular consequence: missense variant. On other transcripts: intron variant (2), 5 prime UTR variant (1).
Genome position (GRCh38, 1-based): chr11:116,837,122, G>A on the plus strand (C>T on the coding strand, the complement: APOA1 is on the minus strand). VCF-style: chr11-116837122-G-A. GRCh37 (hg19) VCF-style: chr11-116707838-G-A.
Other names: c.-128+223C>T (NM_001425091.1); c.-240-9C>T (NM_001318021.2); c.79C>T, p.Pro27Ser (NM_001318017.2, NM_001318018.2, NM_001425090.1 and 1 more transcripts); c.-249C>T (NM_001425092.1); short protein forms P27S.
Identifiers: ClinVar variation 3127887 (VCV003127887.3), dbSNP rs200213347, ClinGen allele CA6289903.

ClinVar aggregate classification (germline): Uncertain significance. Review status: criteria provided, multiple submitters, no conflicts (2 of 4 stars). 2 submissions from 2 submitters: Uncertain significance (2). Last evaluated 2024-04-29.

Conditions:
Cardiovascular phenotype. Identifiers: MedGen CN230736.

Allele frequency attached by ClinVar (database versions not stated): ExAC 0.00001; gnomAD exomes 0.00001; TOPMed 0.00001.
gnomAD v4.1: 11 of 1,613,380 alleles (0.00068%); highest among the groups gnomAD compares: South Asian, 0.0088%; no homozygotes.

Submissions (2):

Labcorp Genetics (formerly Invitae), Labcorp
Classification: Uncertain significance. Last evaluated: 2024-04-29. Review status: criteria provided, single submitter. Criteria: Invitae Variant Classification Sherloc (09022015). Collection method: clinical testing. Allele origin: germline.
Comment: This sequence change replaces proline, which is neutral and non-polar, with serine, which is neutral and polar, at codon 27 of the APOA1 protein (p.Pro27Ser). This variant is present in population databases (rs200213347, gnomAD 0.007%). This variant has not been reported in the literature in individuals affected with APOA1-related conditions. An algorithm developed to predict the effect of missense changes on protein structure and function (PolyPhen-2) suggests that this variant is likely to be disruptive. In summary, the available evidence is currently insufficient to determine the role of this variant in disease. Therefore, it has been classified as a Variant of Uncertain Significance.

Ambry Genetics
Classification: Uncertain significance for Cardiovascular phenotype. Last evaluated: 2023-11-01. Review status: criteria provided, single submitter. Criteria: Ambry Variant Classification Scheme 2023. Collection method: clinical testing. Allele origin: germline.